The following is an entry in ClinVar:

NM_004991.4(MECOM):c.3008G>A (p.Gly1003Glu)

Gene: MECOM (MDS1 and EVI1 complex locus; minus strand). Cytogenetic location: 3q26.2.
Variant type: single nucleotide variant.
Coding change: c.3008G>A on transcript NM_004991.4 (MANE Select); coding-DNA position 3008, G replaced by A.
Protein change: p.Gly1003Glu; replaces glycine 1003 with glutamic acid.
Molecular consequence: missense variant.
Genome position (GRCh38, 1-based): chr3:169,095,087, C>T on the plus strand (G>A on the coding strand, the complement: MECOM is on the minus strand). VCF-style: chr3-169095087-C-T. GRCh37 (hg19) VCF-style: chr3-168812875-C-T.
Other names: c.2639G>A, p.Gly880Glu (NM_001105077.4); c.2444G>A, p.Gly815Glu (NM_001105078.4, NM_001205194.2, NM_001366469.2 and 1 more transcripts); c.2420G>A, p.Gly807Glu (NM_001163999.2, NM_001366470.2); c.2417G>A, p.Gly806Glu (NM_001164000.2, NM_001366471.2, NM_001366472.2); c.2981G>A, p.Gly994Glu (NM_001366466.2); c.2447G>A, p.Gly816Glu (NM_001366467.2, NM_001366468.2); c.2009G>A, p.Gly670Glu (NM_001366473.2); c.1445G>A, p.Gly482Glu (NM_001366474.2); and 1 more; short protein forms G815E, G880E, G1003E, G482E, G806E, G994E, G670E, G807E.
Identifiers: ClinVar variation 2881345 (VCV002881345.4), dbSNP rs2549199530, ClinGen allele CA355073246.
Genomic context (GRCh38, chr3:169,095,087, plus strand): 5'-AACACGAAAAAGAAGTCATCTTTGACTTATAACACAATTTATTACGTACCGGACATGTTC[C>T]CATTCTCATGTTTCTTTAGGTGTCTGTCTAAATTGGTTTGTTGACCAAAACACCTATCAC-3'
Protein context (NP_004982.2, residues 993-1013): LDRHLKKHEN[Gly1003Glu]NMSGTATSSP

ClinVar aggregate classification (germline): Uncertain significance. Review status: criteria provided, multiple submitters, no conflicts (2 of 4 stars). 2 submissions from 2 submitters: Uncertain significance (2). Last evaluated 2024-12-14.

Conditions:
Inborn genetic diseases. Identifiers: MedGen C0950123, MeSH D030342.

gnomAD v4.1: 1 of 1,604,366 alleles (0.000062%); highest among the groups gnomAD compares: Non-Finnish European, 0.000085%; no homozygotes.

Submissions (2):

Ambry Genetics
Classification: Uncertain significance for Inborn genetic diseases. Last evaluated: 2024-12-14. Review status: criteria provided, single submitter. Criteria: Ambry Variant Classification Scheme 2023. Collection method: clinical testing. Allele origin: germline.
Comment: The p.G1003E variant (also known as c.3008G>A), located in coding exon 13 of the MECOM gene, results from a G to A substitution at nucleotide position 3008. The glycine at codon 1003 is replaced by glutamic acid, an amino acid with similar properties. This amino acid position is conserved. In addition, this alteration is predicted to be tolerated by in silico analysis. Based on the available evidence, the clinical significance of this variant remains unclear.

Labcorp Genetics (formerly Invitae), Labcorp
Classification: Uncertain significance. Last evaluated: 2023-12-07. Review status: criteria provided, single submitter. Criteria: Invitae Variant Classification Sherloc (09022015). Collection method: clinical testing. Allele origin: germline.
Comment: This sequence change replaces glycine, which is neutral and non-polar, with glutamic acid, which is acidic and polar, at codon 815 of the MECOM protein (p.Gly815Glu). This variant is not present in population databases (gnomAD no frequency). This variant has not been reported in the literature in individuals affected with MECOM-related conditions. An algorithm developed to predict the effect of missense changes on protein structure and function (PolyPhen-2) suggests that this variant is likely to be disruptive. In summary, the available evidence is currently insufficient to determine the role of this variant in disease. Therefore, it has been classified as a Variant of Uncertain Significance.